The following is an entry in ClinVar:

NM_003361.4(UMOD):c.172G>T (p.Gly58Cys)

Gene: UMOD (uromodulin; minus strand). Cytogenetic location: 16p12.3.
Variant type: single nucleotide variant.
Coding change: c.172G>T on transcript NM_003361.4 (MANE Select); coding-DNA position 172, G replaced by T.
Protein change: p.Gly58Cys; replaces glycine 58 with cysteine.
Molecular consequence: missense variant. On other transcripts: non-coding transcript variant (1).
Genome position (GRCh38, 1-based): chr16:20,349,129, C>A on the plus strand (G>T on the coding strand, the complement: UMOD is on the minus strand). VCF-style: chr16-20349129-C-A. GRCh37 (hg19) VCF-style: chr16-20360451-C-A.
Other names: c.172G>T, p.Gly58Cys (NM_001008389.3, NM_001378232.1, NM_001378233.1 and 3 more transcripts); c.271G>T, p.Gly91Cys (NM_001278614.2); short protein forms G91C, G58C.
Identifiers: ClinVar variation 2736329 (VCV002736329.4), dbSNP rs748228253, ClinGen allele CA394987735.

ClinVar aggregate classification (germline): Conflicting classifications of pathogenicity. Review status: criteria provided, conflicting classifications (1 of 4 stars). 2 submissions from 2 submitters: Likely pathogenic (1); Uncertain significance (1). Last evaluated 2024-11-07.

Conditions:
Familial juvenile hyperuricemic nephropathy type 1 (ADTKD1). Also called: UMOD-Associated Kidney Disease; Uromodulin-associated kidney disease; Glomerulocystic kidney disease with hyperuricemia and isosthenuria; Medullary cystic kidney disease 2; Autosomal Dominant Tubulointerstitial Kidney Disease – UMOD. Identifiers: Orphanet 209886, Orphanet 34149, Orphanet 88950, MedGen C4551496, MONDO:0008073, OMIM 162000.

Submissions (2):

Labcorp Genetics (formerly Invitae), Labcorp
Classification: Uncertain significance. Last evaluated: 2024-11-07. Review status: criteria provided, single submitter. Criteria: Invitae Variant Classification Sherloc (09022015). Collection method: clinical testing. Allele origin: germline.
Comment: This sequence change replaces glycine, which is neutral and non-polar, with cysteine, which is neutral and slightly polar, at codon 58 of the UMOD protein (p.Gly58Cys). This variant is not present in population databases (gnomAD no frequency). This missense change has been observed in individual(s) with clinical features of tubulointerstitial kidney disease (PMID: 20172860). ClinVar contains an entry for this variant (Variation ID: 2736329). Invitae Evidence Modeling of protein sequence and biophysical properties (such as structural, functional, and spatial information, amino acid conservation, physicochemical variation, residue mobility, and thermodynamic stability) indicates that this missense variant is expected to disrupt UMOD protein function with a positive predictive value of 95%. In summary, the available evidence is currently insufficient to determine the role of this variant in disease. Therefore, it has been classified as a Variant of Uncertain Significance.

Fulgent Genetics
Classification: Likely pathogenic for Familial juvenile hyperuricemic nephropathy type 1. Last evaluated: 2024-05-22. Review status: criteria provided, single submitter. Criteria: ACMG Guidelines, 2015. Collection method: clinical testing. Allele origin: germline.

Literature cited by the submitters: PubMed 20172860 (cited by Labcorp Genetics (formerly Invitae), Labcorp).